The following is an entry in ClinVar:

ClinVar aggregate classification (germline): Likely benign. Review status: criteria provided, multiple submitters, no conflicts (2 of 4 stars). 6 submissions from 6 submitters: Likely benign (6). Last evaluated 2025-12-02.

Conditions:
Cardiovascular phenotype. Identifiers: MedGen CN230736.
Cardiomyopathy (CMYO). Also called: Cardiomyopathies. Identifiers: Orphanet 167848, MedGen C0878544, MONDO:0004994, HP:0001638. Inheritance: Various modes of inheritance.
Hypertrophic cardiomyopathy. Also called: HYPERTROPHIC MYOCARDIOPATHY. Identifiers: Orphanet 217569, MedGen C0007194, MeSH D002312, MONDO:0005045, HP:0001639.

Allele frequency attached by ClinVar (database versions not stated): TOPMed 0.00002; ESP Exome Variant Server 0.00008; gnomAD 0.00001 and 0.00002.
gnomAD v4.1: 16 of 1,607,192 alleles (0.001%); highest among the groups gnomAD compares: Admixed American, 0.0034%; no homozygotes.

Submissions (6):

Labcorp Genetics (formerly Invitae), Labcorp
Classification: Likely benign for Hypertrophic cardiomyopathy. Last evaluated: 2025-12-02. Review status: criteria provided, single submitter. Criteria: Invitae Variant Classification Sherloc (09022015). Collection method: clinical testing. Allele origin: germline.

All of Us Research Program, National Institutes of Health
Classification: Likely benign for Hypertrophic cardiomyopathy. Last evaluated: 2023-12-18. Review status: criteria provided, single submitter. Criteria: ACMG Guidelines, 2015. Collection method: clinical testing. Allele origin: germline. Inheritance: Autosomal dominant inheritance. Observed: 4 variant alleles, 4 heterozygotes.
Comment: This study involves interpretation of variants in research participants for the purpose of population health screening. Participant phenotype was not available at the time of variant classification. Additional details can be found in publication PMID: 35346344, PMCID: PMC8962531

Ambry Genetics
Classification: Likely benign for Cardiovascular phenotype. Last evaluated: 2020-01-24. Review status: criteria provided, single submitter. Criteria: Ambry Variant Classification Scheme 2023. Collection method: clinical testing. Allele origin: germline.

Color Diagnostics, LLC DBA Color Health
Classification: Likely benign for Cardiomyopathy. Last evaluated: 2018-12-01. Review status: criteria provided, single submitter. Criteria: ACMG Guidelines, 2015. Collection method: clinical testing. Allele origin: germline.

GeneDx
Classification: Likely benign. Last evaluated: 2016-07-13. Review status: criteria provided, single submitter. Criteria: GeneDx Variant Classification (06012015). Collection method: clinical testing. Allele origin: germline. Affected: yes.
Comment: This variant is considered likely benign or benign based on one or more of the following criteria: it is a conservative change, it occurs at a poorly conserved position in the protein, it is predicted to be benign by multiple in silico algorithms, and/or has population frequency not consistent with disease.

Laboratory for Molecular Medicine, Mass General Brigham Personalized Medicine
Classification: Likely benign. Last evaluated: 2008-03-01. Review status: criteria provided, single submitter. Criteria: LMM Criteria. Collection method: clinical testing. Allele origin: germline. Observed: 1 variant allele.

NM_000256.3(MYBPC3):c.960C>T (p.Asp320=)

Gene: MYBPC3 (myosin binding protein C3; minus strand). Cytogenetic location: 11p11.2.
Variant type: single nucleotide variant.
Coding change: c.960C>T on transcript NM_000256.3 (MANE Select); coding-DNA position 960, C replaced by T.
Protein change: p.Asp320=; no amino-acid change (aspartic acid 320 retained).
Molecular consequence: synonymous variant.
Genome position (GRCh38, 1-based): chr11:47,346,337, G>A on the plus strand (C>T on the coding strand, the complement: MYBPC3 is on the minus strand). VCF-style: chr11-47346337-G-A. GRCh37 (hg19) VCF-style: chr11-47367888-G-A.
Identifiers: ClinVar variation 42812 (VCV000042812.16), dbSNP rs369900803, ClinGen allele CA016181.
Genomic context (GRCh38, chr11:47,346,337, plus strand): 5'-GTACTGGAAGGCGATGCGCTCGTACTCAGATGGGGGTGCCTGCCGTAGGATCTCCCACAC[G>A]TCCTCCTCTGCTGGTGCCTCCAGCTTCGAGTCCCTGTGTCCCGCAGTCTAGGCTGTGGCC-3'
Protein context (NP_000247.2, residues 310-330): DSKLEAPAEE[Asp320=]VWEILRQAPP